The following is an entry in ClinVar:

ClinVar aggregate classification (germline): Likely pathogenic (1 of 4 stars; one submission).

Allele frequency attached by ClinVar (database versions not stated): gnomAD 0.00001; TOPMed 0.00001.
gnomAD v4.1: 1 of 1,613,526 alleles (0.000062%); highest among the groups gnomAD compares: African/African-American, 0.0013%; no homozygotes.

Submission:

Labcorp Genetics (formerly Invitae), Labcorp
Classification: Likely pathogenic. Last evaluated: 2022-10-13. Review status: criteria provided, single submitter. Criteria: Invitae Variant Classification Sherloc (09022015). Collection method: clinical testing. Allele origin: germline.
Comment: Advanced modeling of protein sequence and biophysical properties (such as structural, functional, and spatial information, amino acid conservation, physicochemical variation, residue mobility, and thermodynamic stability) performed at Invitae indicates that this missense variant is expected to disrupt LRP5 protein function. In summary, the currently available evidence indicates that the variant is pathogenic, but additional data are needed to prove that conclusively. Therefore, this variant has been classified as Likely Pathogenic. This variant disrupts the p.Pro848 amino acid residue in LRP5. Other variant(s) that disrupt this residue have been determined to be pathogenic (PMID: 25711638; Invitae). This suggests that this residue is clinically significant, and that variants that disrupt this residue are likely to be disease-causing. This variant has not been reported in the literature in individuals affected with LRP5-related conditions. This variant is not present in population databases (gnomAD no frequency). This sequence change replaces proline, which is neutral and non-polar, with glutamine, which is neutral and polar, at codon 848 of the LRP5 protein (p.Pro848Gln).

Literature cited by the submitters: PubMed 25711638.

NM_002335.4(LRP5):c.2543C>A (p.Pro848Gln)

Gene: LRP5 (LDL receptor related protein 5; plus strand). Cytogenetic location: 11q13.2.
Variant type: single nucleotide variant.
Coding change: c.2543C>A on transcript NM_002335.4 (MANE Select); coding-DNA position 2543, C replaced by A.
Protein change: p.Pro848Gln; replaces proline 848 with glutamine.
Molecular consequence: missense variant.
Genome position (GRCh38, 1-based): chr11:68,413,728, C>A. VCF-style: chr11-68413728-C-A. GRCh37 (hg19) VCF-style: chr11-68181196-C-A.
Other names: c.800C>A, p.Pro267Gln (NM_001291902.2); short protein forms P267Q, P848Q.
Identifiers: ClinVar variation 2013080 (VCV002013080.4), dbSNP rs1281959115, ClinGen allele CA381618215.